The following is an entry in ClinVar:

NM_024675.4(PALB2):c.1876A>C (p.Lys626Gln)

Gene: PALB2 (partner and localizer of BRCA2; minus strand). Cytogenetic location: 16p12.2.
Variant type: single nucleotide variant.
Coding change: c.1876A>C on transcript NM_024675.4 (MANE Select); coding-DNA position 1876, A replaced by C.
Protein change: p.Lys626Gln; replaces lysine 626 with glutamine.
Molecular consequence: missense variant.
Genome position (GRCh38, 1-based): chr16:23,630,278, T>G on the plus strand (A>C on the coding strand, the complement: PALB2 is on the minus strand). VCF-style: chr16-23630278-T-G. GRCh37 (hg19) VCF-style: chr16-23641599-T-G.
Other names: short protein forms K626Q.
Identifiers: ClinVar variation 1057032 (VCV001057032.10), dbSNP rs2142387099, ClinGen allele CA395127670.

ClinVar aggregate classification (germline): Uncertain significance (1 of 4 stars; one submission).

Conditions:
Familial cancer of breast. Also called: BREAST CANCER, FAMILIAL; Hereditary breast cancer; hereditary breast carcinoma. Identifiers: Orphanet 227535, MedGen C0346153, MONDO:0016419, OMIM 114480. Disease mechanism: loss of function.

Submission:

Labcorp Genetics (formerly Invitae), Labcorp
Classification: Uncertain significance for Familial cancer of breast. Last evaluated: 2020-01-30. Review status: criteria provided, single submitter. Criteria: Invitae Variant Classification Sherloc (09022015). Collection method: clinical testing. Allele origin: germline.
Comment: This sequence change replaces lysine with glutamine at codon 626 of the PALB2 protein (p.Lys626Gln). The lysine residue is highly conserved and there is a small physicochemical difference between lysine and glutamine. This variant is not present in population databases (ExAC no frequency). This variant has not been reported in the literature in individuals with PALB2-related conditions. Algorithms developed to predict the effect of missense changes on protein structure and function are either unavailable or do not agree on the potential impact of this missense change (SIFT: "Tolerated"; PolyPhen-2: "Probably Damaging"; Align-GVGD: "Class C0"). In summary, the available evidence is currently insufficient to determine the role of this variant in disease. Therefore, it has been classified as a Variant of Uncertain Significance.